The following is an entry in ClinVar:

NM_000130.5(F5):c.5502C>T (p.Gly1834=)

Gene: F5 (coagulation factor V; minus strand). Cytogenetic location: 1q24.2.
Variant type: single nucleotide variant.
Coding change: c.5502C>T on transcript NM_000130.5 (MANE Select); coding-DNA position 5502, C replaced by T.
Protein change: p.Gly1834=; no amino-acid change (glycine 1834 retained).
Molecular consequence: synonymous variant.
Genome position (GRCh38, 1-based): chr1:169,528,012, G>A on the plus strand (C>T on the coding strand, the complement: F5 is on the minus strand). VCF-style: chr1-169528012-G-A. GRCh37 (hg19) VCF-style: chr1-169497250-G-A.
Identifiers: ClinVar variation 2884053 (VCV002884053.5), dbSNP rs141434073, ClinGen allele CA1233486.
Genomic context (GRCh38, chr1:169,528,012, plus strand): 5'-ATTGCCATTTTCCAGCAAGGTCTGGCCGTGAAAGTGAACCACGTGAATGTCTTGGGAGCC[G>A]CCTATGTTCAGCAGGTGTAACCTCACCCACTCTTGCTCATACATTTTCAGGCCAGGCAAG-3'
Protein context (NP_000121.2, residues 1824-1844): EWVRLHLLNI[Gly1834=]GSQDIHVVHF

ClinVar aggregate classification (germline): Conflicting classifications of pathogenicity. Review status: criteria provided, conflicting classifications (1 of 4 stars). 2 submissions from 2 submitters: Uncertain significance (1); Likely benign (1). Last evaluated 2025-10-24.

Conditions:
Inborn genetic diseases. Identifiers: MedGen C0950123, MeSH D030342.
Congenital factor V deficiency. Also called: Hereditary factor V deficiency disease; LABILE FACTOR DEFICIENCY; OWREN PARAHEMOPHILIA; PARAHEMOPHILIA. Identifiers: Orphanet 326, MedGen C0015499, MONDO:0009210, OMIM 227400.

Allele frequency attached by ClinVar (database versions not stated): gnomAD exomes 0.00005; ExAC 0.00008; gnomAD 0.00017; TOPMed 0.00022; ESP Exome Variant Server 0.00031.
gnomAD v4.1: 100 of 1,613,746 alleles (0.0062%); highest among the groups gnomAD compares: African/African-American, 0.063%; no homozygotes.

Submissions (3):

Labcorp Genetics (formerly Invitae), Labcorp
Classification: Uncertain significance for Congenital factor V deficiency. Last evaluated: 2025-10-24. Review status: criteria provided, single submitter. Criteria: Invitae Variant Classification Sherloc (09022015). Collection method: clinical testing. Allele origin: germline.
Comment: This sequence change affects codon 1834 of the F5 mRNA. It is a 'silent' change, meaning that it does not change the encoded amino acid sequence of the F5 protein. This variant is present in population databases (rs141434073, gnomAD 0.05%). This variant has not been reported in the literature in individuals affected with F5-related conditions. ClinVar contains an entry for this variant (Variation ID: 2884053). Algorithms developed to predict the effect of sequence changes on RNA splicing suggest that this variant may disrupt the consensus splice site. In summary, the available evidence is currently insufficient to determine the role of this variant in disease. Therefore, it has been classified as a Variant of Uncertain Significance.

Ambry Genetics
Classification: Likely benign for Inborn genetic diseases. Last evaluated: 2025-04-14. Review status: criteria provided, single submitter. Criteria: Ambry Variant Classification Scheme 2023. Collection method: clinical testing. Allele origin: germline.

Dr. Peter K. Rogan Lab, Western University
No classification provided (evidence only). Condition: Gastric cancer. Review status: no classification provided. Collection method: in vitro. Allele origin: not applicable. Functional consequence: retained intron. Not counted in ClinVar's aggregate classification.